The following is an entry in ClinVar:

NM_000038.6(APC):c.3868A>G (p.Asn1290Asp)

Gene: APC (APC regulator of Wnt signaling pathway; plus strand). Cytogenetic location: 5q22.2.
Variant type: single nucleotide variant.
Coding change: c.3868A>G on transcript NM_000038.6 (MANE Select); coding-DNA position 3868, A replaced by G.
Protein change: p.Asn1290Asp; replaces asparagine 1290 with aspartic acid.
Molecular consequence: missense variant.
Genome position (GRCh38, 1-based): chr5:112,839,462, A>G. VCF-style: chr5-112839462-A-G. GRCh37 (hg19) VCF-style: chr5-112175159-A-G.
Other names: c.3868A>G, p.Asn1290Asp (NM_001127510.3, NM_001354895.2); c.3814A>G, p.Asn1272Asp (NM_001127511.3); c.3922A>G, p.Asn1308Asp (NM_001354896.2); c.3898A>G, p.Asn1300Asp (NM_001354897.2); c.3793A>G, p.Asn1265Asp (NM_001354898.2); c.3784A>G, p.Asn1262Asp (NM_001354899.2); c.3745A>G, p.Asn1249Asp (NM_001354900.2); c.3691A>G, p.Asn1231Asp (NM_001354901.2); and 5 more; short protein forms N1272D, N1290D, N1007D, N1262D, N1164D, N1231D, N1249D, N1265D.
Identifiers: ClinVar variation 630119 (VCV000630119.15), dbSNP rs752977559, ClinGen allele CA036833.

ClinVar aggregate classification (germline): Conflicting classifications of pathogenicity. Review status: criteria provided, conflicting classifications (1 of 4 stars). 3 submissions from 3 submitters: Uncertain significance (2); Likely benign (1). Last evaluated 2023-12-05.

Conditions:
Hereditary cancer-predisposing syndrome. Also called: Neoplastic Syndromes, Hereditary; Tumor predisposition; Hereditary neoplastic syndrome; Hereditary Cancer Syndrome. Identifiers: Orphanet 140162, MedGen C0027672, MeSH D009386, MONDO:0015356.
Familial adenomatous polyposis 1 (FAP1). Also called: POLYPOSIS, ADENOMATOUS INTESTINAL; FAMILIAL ADENOMATOUS POLYPOSIS 1, ATTENUATED. Identifiers: MedGen C2713442, MONDO:0021056, OMIM 175100. Disease mechanism: loss of function.

Allele frequency attached by ClinVar (database versions not stated): gnomAD exomes 0.00001; ExAC 0.00002.
gnomAD v4.1: 2 of 1,614,198 alleles (0.00012%); highest among the groups gnomAD compares: Admixed American, 0.0033%; no homozygotes.

Submissions (3):

Color Diagnostics, LLC DBA Color Health
Classification: Uncertain significance for Hereditary cancer-predisposing syndrome. Last evaluated: 2023-12-05. Review status: criteria provided, single submitter. Criteria: ACMG Guidelines, 2015. Collection method: clinical testing. Allele origin: germline.
Comment: This missense variant replaces asparagine with aspartic acid at codon 1290 of the APC protein. Computational prediction suggests that this variant may not impact protein structure and function (internally defined REVEL score threshold <= 0.5, PMID: 27666373). To our knowledge, functional studies have not been reported for this variant. This variant has not been reported in individuals affected with APC-related disorders in the literature. This variant has been identified in 3/250822 chromosomes in the general population by the Genome Aggregation Database (gnomAD). The available evidence is insufficient to determine the role of this variant in disease conclusively. Therefore, this variant is classified as a Variant of Uncertain Significance.

Labcorp Genetics (formerly Invitae), Labcorp
Classification: Uncertain significance for Familial adenomatous polyposis 1. Last evaluated: 2023-01-26. Review status: criteria provided, single submitter. Criteria: Invitae Variant Classification Sherloc (09022015). Collection method: clinical testing. Allele origin: germline.
Comment: This sequence change replaces asparagine, which is neutral and polar, with aspartic acid, which is acidic and polar, at codon 1290 of the APC protein (p.Asn1290Asp). This variant is present in population databases (rs752977559, gnomAD 0.009%). This variant has not been reported in the literature in individuals affected with APC-related conditions. ClinVar contains an entry for this variant (Variation ID: 630119). Advanced modeling of protein sequence and biophysical properties (such as structural, functional, and spatial information, amino acid conservation, physicochemical variation, residue mobility, and thermodynamic stability) performed at Invitae indicates that this missense variant is not expected to disrupt APC protein function. In summary, the available evidence is currently insufficient to determine the role of this variant in disease. Therefore, it has been classified as a Variant of Uncertain Significance.

Ambry Genetics
Classification: Likely benign for Hereditary cancer-predisposing syndrome. Last evaluated: 2019-01-11. Review status: criteria provided, single submitter. Criteria: Ambry Variant Classification Scheme 2023. Collection method: clinical testing. Allele origin: germline.